The following is an entry in ClinVar:

ClinVar aggregate classification (germline): Pathogenic (1 of 4 stars; one submission).

Conditions:
Tuberous sclerosis 2 (TSC2). Identifiers: Orphanet 805, MedGen C1860707, MONDO:0013199, OMIM 613254.

Submission:

Labcorp Genetics (formerly Invitae), Labcorp
Classification: Pathogenic for Tuberous sclerosis 2. Last evaluated: 2021-10-14. Review status: criteria provided, single submitter. Criteria: Invitae Variant Classification Sherloc (09022015). Collection method: clinical testing. Allele origin: germline.
Comment: This sequence change creates a premature translational stop signal (p.Ser1147Phefs*21) in the TSC2 gene. It is expected to result in an absent or disrupted protein product. Loss-of-function variants in TSC2 are known to be pathogenic (PMID: 10205261, 17304050). This variant is not present in population databases (ExAC no frequency). This variant has not been reported in the literature in individuals affected with TSC2-related conditions. For these reasons, this variant has been classified as Pathogenic.

Literature cited by the submitters: PubMed 10205261; PubMed 17304050.

NM_000548.5(TSC2):c.3439dup (p.Ser1147fs)

Gene: TSC2 (TSC complex subunit 2; plus strand). Cytogenetic location: 16p13.3.
Variant type: Duplication.
Coding change: c.3439dup on transcript NM_000548.5 (MANE Select); coding-DNA position 3439, one base duplicated (T; older notation c.3439dupT).
Protein change: p.Ser1147fs; shifts the reading frame from serine 1147.
Molecular consequence: frameshift variant.
Genome position (GRCh38, 1-based): chr16:2,080,206, T duplicated. VCF-style (leftmost placement, unchanged base first): chr16-2080205-C-CT. GRCh37 (hg19) VCF-style: chr16-2130206-C-CT.
Other names: c.3307dup, p.Ser1103fs (NM_001077183.3, NM_001370404.1); c.3439dup, p.Ser1147fs (NM_001114382.3); c.3199dup, p.Ser1067fs (NM_001318827.2); c.3163dup, p.Ser1055fs (NM_001318829.2); c.2707dup, p.Ser903fs (NM_001318831.2); c.3340dup, p.Ser1114fs (NM_001318832.2); c.3310dup, p.Ser1104fs (NM_001363528.2, NM_001370405.1, NM_021055.3); short protein forms S1114fs, S1055fs, S1103fs, S1104fs, S1147fs, S1067fs, S903fs.
Identifiers: ClinVar variation 1404671 (VCV001404671.6), dbSNP rs2151456849, ClinGen allele CA2573151678.